The following is an entry in ClinVar:

ClinVar aggregate classification (germline): Conflicting classifications of pathogenicity. Review status: criteria provided, conflicting classifications (1 of 4 stars). 3 submissions from 3 submitters: Uncertain significance (1); Likely benign (2). Last evaluated 2026-02-17.

Conditions:
Fanconi anemia, complementation group S (FANCS). Identifiers: MedGen C4554406, MONDO:0054748, OMIM 617883.
Hereditary cancer-predisposing syndrome. Also called: Tumor predisposition; Hereditary Cancer Syndrome; Hereditary neoplastic syndrome; Neoplastic Syndromes, Hereditary. Identifiers: Orphanet 140162, MedGen C0027672, MeSH D009386, MONDO:0015356.

Allele frequency attached by ClinVar (database versions not stated): gnomAD exomes 0.00001.
gnomAD v4.1: 9 of 1,613,840 alleles (0.00056%); highest among the groups gnomAD compares: South Asian, 0.0088%; no homozygotes.

Submissions (3):

Ambry Genetics
Classification: Uncertain significance for Hereditary cancer-predisposing syndrome. Last evaluated: 2026-02-17. Review status: criteria provided, single submitter. Criteria: Ambry Variant Classification Scheme 2023. Collection method: clinical testing. Allele origin: germline.

Department of Pathology and Laboratory Medicine, Sinai Health System
Classification: Likely benign for Fanconi anemia, complementation group S. Last evaluated: 2024-12-31. Review status: criteria provided, single submitter. Criteria: ACMG Guidelines, 2015. Collection method: clinical testing. Allele origin: germline.

University of Washington Department of Laboratory Medicine, University of Washington
Classification: Likely benign for Hereditary cancer-predisposing syndrome. Last evaluated: 2023-03-23. Review status: criteria provided, single submitter. Criteria: Dines et al. (Genet Med. 2020). Collection method: curation. Allele origin: germline.
Comment: Missense variant in a coldspot region where missense variants are very unlikely to be pathogenic (PMID:31911673).

BRCA1 coldspot (exon 11 using historical exon numbering). Reclassification based on statistical prior probability

NM_007294.4(BRCA1):c.2623C>G (p.Pro875Ala)

Gene: BRCA1 (BRCA1 DNA repair associated; minus strand). Cytogenetic location: 17q21.31.
Variant type: single nucleotide variant.
Coding change: c.2623C>G on transcript NM_007294.4 (MANE Select); coding-DNA position 2623, C replaced by G.
Protein change: p.Pro875Ala; replaces proline 875 with alanine.
Molecular consequence: missense variant. On other transcripts: intron variant (137).
Genome position (GRCh38, 1-based): chr17:43,092,908, G>C on the plus strand (C>G on the coding strand, the complement: BRCA1 is on the minus strand). VCF-style: chr17-43092908-G-C. GRCh37 (hg19) VCF-style: chr17-41244925-G-C.
Other names: c.2410C>G, p.Pro804Ala (NM_001407571.1, NM_001407853.1, NM_001407894.1 and 9 more transcripts); c.2623C>G, p.Pro875Ala (NM_001407581.1, NM_001407582.1, NM_001407583.1 and 30 more transcripts); c.2620C>G, p.Pro874Ala (NM_001407587.1, NM_001407590.1, NM_001407591.1 and 22 more transcripts); c.2614C>G, p.Pro872Ala (NM_001407646.1, NM_001407647.1); c.2542C>G, p.Pro848Ala (NM_001407659.1, NM_001407660.1, NM_001407661.1 and 1 more transcripts); c.2545C>G, p.Pro849Ala (NM_001407663.1, NM_001407653.1, NM_001407654.1 and 4 more transcripts); c.2500C>G, p.Pro834Ala (NM_001407664.1, NM_001407665.1, NM_001407666.1 and 19 more transcripts); c.2497C>G, p.Pro833Ala (NM_001407685.1, NM_001407686.1, NM_001407940.1 and 11 more transcripts); and 41 more; short protein forms P748A, P786A, P848A, P875A, P804A, P807A, P849A, P874A.
Identifiers: ClinVar variation 1793976 (VCV001793976.6), dbSNP rs866257451, ClinGen allele CA10596748.